The following is an entry in ClinVar:

ClinVar aggregate classification (germline): Benign/Likely benign. Review status: criteria provided, multiple submitters, no conflicts (2 of 4 stars). 2 submissions from 2 submitters: Benign (1); Likely benign (1). Last evaluated 2025-06-29.

Conditions:
Hereditary diffuse gastric adenocarcinoma (HDGC). Also called: DIFFUSE GASTRIC AND LOBULAR BREAST CANCER SYNDROME. Identifiers: Orphanet 26106, MedGen C1708349, MONDO:0007648, OMIM 137215.

gnomAD v4.1: 1 of 1,613,834 alleles (0.000062%); highest among the groups gnomAD compares: East Asian, 0.0022%; no homozygotes.

Submissions (2):

Labcorp Genetics (formerly Invitae), Labcorp
Classification: Likely benign for Hereditary diffuse gastric adenocarcinoma. Last evaluated: 2025-06-29. Review status: criteria provided, single submitter. Criteria: Invitae Variant Classification Sherloc (09022015). Collection method: clinical testing. Allele origin: germline.

Myriad Genetics, Inc.
Classification: Benign for Hereditary diffuse gastric adenocarcinoma. Last evaluated: 2024-09-16. Review status: criteria provided, single submitter. Criteria: Myriad Autosomal Dominant, Autosomal Recessive and X-Linked Classification Criteria (2023). Collection method: clinical testing. Allele origin: unknown.
Comment: This variant is considered benign. This variant is a silent/synonymous amino acid change and it is not expected to impact splicing.

NM_004360.5(CDH1):c.828T>C (p.Leu276=)

Gene: CDH1 (cadherin 1; plus strand). Cytogenetic location: 16q22.1.
Variant type: single nucleotide variant.
Coding change: c.828T>C on transcript NM_004360.5 (MANE Select); coding-DNA position 828, T replaced by C.
Protein change: p.Leu276=; no amino-acid change (leucine 276 retained).
Molecular consequence: synonymous variant. On other transcripts: 5 prime UTR variant (2).
Genome position (GRCh38, 1-based): chr16:68,810,337, T>C. VCF-style: chr16-68810337-T-C. GRCh37 (hg19) VCF-style: chr16-68844240-T-C.
Other names: c.828T>C, p.Leu276= (NM_001317184.2); c.-788T>C (NM_001317185.2); c.-992T>C (NM_001317186.2).
Identifiers: ClinVar variation 1587478 (VCV001587478.9), dbSNP rs2152131206, ClinGen allele CA496152831.
Genomic context (GRCh38, chr16:68,810,337, plus strand): 5'-TGACAACAAGCCCGAATTCACCCAGGAGGTCTTTAAGGGGTCTGTCATGGAAGGTGCTCT[T>C]CCAGGTATATCCACTAATGAGAATCTGAATACTCAGAAAGACTCTTAGGTTCTTTGGACC-3'
Protein context (NP_004351.1, residues 266-286): VFKGSVMEGA[Leu276=]PGTSVMEVTA